The following is an entry in ClinVar:

NM_007194.4(CHEK2):c.125del (p.Ser42fs)

Gene: CHEK2 (checkpoint kinase 2; minus strand). Cytogenetic location: 22q12.1.
Variant type: Deletion.
Coding change: c.125del on transcript NM_007194.4 (MANE Select); coding-DNA position 125, one base deleted (C; older notation c.125delC).
Protein change: p.Ser42fs; shifts the reading frame from serine 42.
Molecular consequence: frameshift variant.
Genome position (GRCh38, 1-based): chr22:28,734,597, G deleted on the plus strand (C on the coding strand, the reverse complement: CHEK2 is on the minus strand). VCF-style (leftmost placement, unchanged base first): chr22-28734596-AG-A. GRCh37 (hg19) VCF-style: chr22-29130584-AG-A.
Other names: c.125delC, p.Ser42Leufs (NM_001005735.3, NM_001349956.3, NM_145862.3); c.-653delC (NM_001257387.3); short protein forms S42fs.
Identifiers: ClinVar variation 2030853 (VCV002030853.4), dbSNP rs2518132704, ClinGen allele CA2580099442.

ClinVar aggregate classification (germline): Pathogenic (1 of 4 stars; one submission).

Conditions:
Familial cancer of breast. Also called: hereditary breast carcinoma; BREAST CANCER, FAMILIAL; Hereditary breast cancer. Identifiers: Orphanet 227535, MedGen C0346153, MONDO:0016419, OMIM 114480. Disease mechanism: loss of function.

Submission:

Labcorp Genetics (formerly Invitae), Labcorp
Classification: Pathogenic for Familial cancer of breast. Last evaluated: 2022-09-16. Review status: criteria provided, single submitter. Criteria: Invitae Variant Classification Sherloc (09022015). Collection method: clinical testing. Allele origin: germline.
Comment: For these reasons, this variant has been classified as Pathogenic. This variant has not been reported in the literature in individuals affected with CHEK2-related conditions. This variant is not present in population databases (gnomAD no frequency). This sequence change creates a premature translational stop signal (p.Ser42Leufs*19) in the CHEK2 gene. It is expected to result in an absent or disrupted protein product. Loss-of-function variants in CHEK2 are known to be pathogenic (PMID: 21876083, 24713400).

Literature cited by the submitters: PubMed 21876083; PubMed 24713400.